The following is an entry in ClinVar:

ClinVar aggregate classification (germline): Uncertain significance. Review status: criteria provided, multiple submitters, no conflicts (2 of 4 stars). 5 submissions from 4 submitters: Uncertain significance (5). Last evaluated 2025-08-22.

Conditions:
Ocular cystinosis. Also called: Non-Nephropathic (Ocular) Cystinosis; Non-Nephropathic Cystinosis. Identifiers: Orphanet 213, Orphanet 411641, MedGen C2931013, MONDO:0009064, OMIM 219750.
Juvenile nephropathic cystinosis. Also called: Later-Onset (Juvenile) Cystinosis; Intermediate Cystinosis; CYSTINOSIS, LATE-ONSET JUVENILE OR ADOLESCENT NEPHROPATHIC TYPE. Identifiers: Orphanet 213, Orphanet 411634, MedGen C0268626, MONDO:0009066, OMIM 219900.
Nephropathic cystinosis (CTNS). Also called: CYSTINOSIN, DEFECT OF; LYSOSOMAL CYSTINE TRANSPORT PROTEIN, DEFECT OF; Abderhalden Lignac Kaufmann disease; Abderhalden-Kaufmann-Lignac syndrome. Identifiers: Orphanet 213, Orphanet 411629, MedGen C2931187, MONDO:0100151, OMIM 219800.
Inborn genetic diseases. Identifiers: MedGen C0950123, MeSH D030342.

Allele frequency attached by ClinVar (database versions not stated): ExAC 0.00002; gnomAD exomes 0.00002; gnomAD 0.00004; TOPMed 0.00004.
gnomAD v4.1: 101 of 1,614,086 alleles (0.0063%); highest among the groups gnomAD compares: Non-Finnish European, 0.0078%; no homozygotes.

Submissions (5):

Ambry Genetics
Classification: Uncertain significance for Inborn genetic diseases. Last evaluated: 2025-08-22. Review status: criteria provided, single submitter. Criteria: Ambry Variant Classification Scheme 2023. Collection method: clinical testing. Allele origin: germline.

Fulgent Genetics
Classification: Uncertain significance for Ocular cystinosis; Nephropathic cystinosis; Juvenile nephropathic cystinosis. Last evaluated: 2024-05-11. Review status: criteria provided, single submitter. Criteria: ACMG Guidelines, 2015. Collection method: clinical testing. Allele origin: germline.

Labcorp Genetics (formerly Invitae), Labcorp
Classification: Uncertain significance for Inborn genetic diseases; Ocular cystinosis; Juvenile nephropathic cystinosis. Last evaluated: 2022-08-17. Review status: criteria provided, single submitter. Criteria: Invitae Variant Classification Sherloc (09022015). Collection method: clinical testing. Allele origin: germline.
Comment: This sequence change replaces valine, which is neutral and non-polar, with glycine, which is neutral and non-polar, at codon 136 of the CTNS protein (p.Val136Gly). This variant is present in population databases (rs764372178, gnomAD 0.004%). This variant has not been reported in the literature in individuals affected with CTNS-related conditions. ClinVar contains an entry for this variant (Variation ID: 322839). Algorithms developed to predict the effect of missense changes on protein structure and function are either unavailable or do not agree on the potential impact of this missense change (SIFT: "Deleterious"; PolyPhen-2: "Possibly Damaging"; Align-GVGD: "Class C0"). In summary, the available evidence is currently insufficient to determine the role of this variant in disease. Therefore, it has been classified as a Variant of Uncertain Significance.

Illumina Laboratory Services, Illumina
Classification: Uncertain significance for Nephropathic cystinosis. Last evaluated: 2018-01-12. Review status: criteria provided, single submitter. Criteria: ICSL Variant Classification Criteria 13 December 2019. Collection method: clinical testing. Allele origin: germline.

Illumina Laboratory Services, Illumina
Classification: Uncertain significance for Ocular cystinosis. Last evaluated: 2018-01-12. Review status: criteria provided, single submitter. Criteria: ICSL Variant Classification Criteria 13 December 2019. Collection method: clinical testing. Allele origin: germline.

NM_004937.3(CTNS):c.407T>G (p.Val136Gly)

Genes: CTNS (cystinosin, lysosomal cystine transporter; plus strand), CTNS-AS1 (CTNS antisense RNA 1; minus strand). Cytogenetic location: 17p13.2.
Variant type: single nucleotide variant.
Coding change: c.407T>G on transcript NM_004937.3 (MANE Select); coding-DNA position 407, T replaced by G.
Protein change: p.Val136Gly; replaces valine 136 with glycine.
Molecular consequence: missense variant. On other transcripts: 5 prime UTR variant (4).
Genome position (GRCh38, 1-based): chr17:3,655,298, T>G. VCF-style: chr17-3655298-T-G. GRCh37 (hg19) VCF-style: chr17-3558592-T-G.
Other names: c.407T>G, p.Val136Gly (NM_001031681.3, NM_001374492.1); c.-35T>G (NM_001374493.1, NM_001374494.1, NM_001374495.1 and 1 more transcripts); short protein forms V136G.
Identifiers: ClinVar variation 322839 (VCV000322839.11), dbSNP rs764372178, ClinGen allele CA8291706.